The following is an entry in ClinVar:

NM_017909.4(RMND1):c.257C>T (p.Ala86Val)

Gene: RMND1 (required for meiotic nuclear division 1 homolog; minus strand). Cytogenetic location: 6q25.1.
Variant type: single nucleotide variant.
Coding change: c.257C>T on transcript NM_017909.4 (MANE Select); coding-DNA position 257, C replaced by T.
Protein change: p.Ala86Val; replaces alanine 86 with valine.
Molecular consequence: missense variant. On other transcripts: intron variant (1).
Genome position (GRCh38, 1-based): chr6:151,445,555, G>A on the plus strand (C>T on the coding strand, the complement: RMND1 is on the minus strand). VCF-style: chr6-151445555-G-A. GRCh37 (hg19) VCF-style: chr6-151766690-G-A.
Other names: c.-7+6461C>T (NM_001271937.2); short protein forms A86V.
Identifiers: ClinVar variation 1517535 (VCV001517535.5), dbSNP rs746842151, ClinGen allele CA4051074.
Genomic context (GRCh38, chr6:151,445,555, plus strand): 5'-CTCCTGTGAGTACCAAAGGATTTCATGGTTGGAAGGTGTGCCTTTTCATCTTGGCAACGA[G>A]CAGCATTTAATGGAGACAGCATGCTGGTATCTGACTTTTTTTGGTTCATTTCCAGGATCT-3'
Protein context (NP_060379.2, residues 76-96): DTSMLSPLNA[Ala86Val]RCQDEKAHLP

ClinVar aggregate classification (germline): Uncertain significance. Review status: criteria provided, multiple submitters, no conflicts (2 of 4 stars). 2 submissions from 2 submitters: Uncertain significance (2). Last evaluated 2024-10-21.

Conditions:
Combined oxidative phosphorylation defect type 11. Also called: Combined oxidative phosphorylation deficiency 11; ENCEPHALONEUROMYOPATHY, INFANTILE, DUE TO MITOCHONDRIAL TRANSLATION DEFECT. Identifiers: Orphanet 324535, MedGen C5190991, MONDO:0013969, OMIM 614922.

Allele frequency attached by ClinVar (database versions not stated): gnomAD exomes 0.00002 and 0.00011; gnomAD 0.00005 and 0.00006; ExAC 0.00008; TOPMed 0.00008.
gnomAD v4.1: 43 of 1,614,122 alleles (0.0027%); highest among the groups gnomAD compares: Admixed American, 0.068%; no homozygotes.

Submissions (2):

Labcorp Genetics (formerly Invitae), Labcorp
Classification: Uncertain significance. Last evaluated: 2024-10-21. Review status: criteria provided, single submitter. Criteria: Invitae Variant Classification Sherloc (09022015). Collection method: clinical testing. Allele origin: germline.
Comment: This sequence change replaces alanine, which is neutral and non-polar, with valine, which is neutral and non-polar, at codon 86 of the RMND1 protein (p.Ala86Val). This variant is present in population databases (rs746842151, gnomAD 0.09%). This variant has not been reported in the literature in individuals affected with RMND1-related conditions. ClinVar contains an entry for this variant (Variation ID: 1517535). An algorithm developed to predict the effect of missense changes on protein structure and function outputs the following: PolyPhen-2: "Benign". The valine amino acid residue is found in multiple mammalian species, which suggests that this missense change does not adversely affect protein function. In summary, the available evidence is currently insufficient to determine the role of this variant in disease. Therefore, it has been classified as a Variant of Uncertain Significance.

Fulgent Genetics
Classification: Uncertain significance for Combined oxidative phosphorylation defect type 11. Last evaluated: 2022-03-25. Review status: criteria provided, single submitter. Criteria: ACMG Guidelines, 2015. Collection method: clinical testing. Allele origin: unknown.